The following is an entry in ClinVar:

NM_000466.3(PEX1):c.547C>T (p.Arg183Ter)

Gene: PEX1 (peroxisomal biogenesis factor 1; minus strand). Cytogenetic location: 7q21.2.
Variant type: single nucleotide variant.
Coding change: c.547C>T on transcript NM_000466.3 (MANE Select); coding-DNA position 547, C replaced by T.
Protein change: p.Arg183Ter; replaces arginine 183 with a stop codon.
Molecular consequence: nonsense. On other transcripts: 5 prime UTR variant (1).
Genome position (GRCh38, 1-based): chr7:92,517,968, G>A on the plus strand (C>T on the coding strand, the complement: PEX1 is on the minus strand). VCF-style: chr7-92517968-G-A. GRCh37 (hg19) VCF-style: chr7-92147282-G-A.
Other names: c.547C>T, p.Arg183Ter (NM_001282677.2); c.-78C>T (NM_001282678.2); short protein forms R183*.
Identifiers: ClinVar variation 371782 (VCV000371782.27), dbSNP rs149806989, ClinGen allele CA4341576.
Genomic context (GRCh38, chr7:92,517,968, plus strand): 5'-CATAACTATGAAGTTTTTTATATTCAGCATCAGCTTTTGAAAATGTATTCTCTTTGGCTC[G>A]GCGTGTCTTTGGCTGAATAAGGAGTTTGGTGTCAGTTTCCAGCCTTCCATAAGAGGCAGC-3'

ClinVar aggregate classification (germline): Pathogenic/Likely pathogenic. Review status: criteria provided, multiple submitters, no conflicts (2 of 4 stars). 10 submissions from 9 submitters: Pathogenic (7); Likely pathogenic (1). 2 of the submissions do not count toward it. Last evaluated 2026-06-10.

Conditions:
PEX1-related disorder. Also called: PEX1-related condition.
Peroxisome biogenesis disorder 1A (Zellweger) (PBD1A). Also called: Zellweger leukodystrophy; Peroxisome biogenesis disorder 1a. Identifiers: MedGen C4721541, MONDO:0008953, OMIM 214100.
Heimler syndrome 1 (HMLR1). Also called: PEROXISOME BIOGENESIS DISORDER 1C. Identifiers: Orphanet 3220, MedGen C4551980, OMIM 234580, MONDO:0024544.
Peroxisome biogenesis disorder 1B (PBD1B). Also called: Refsum disease, infantile form; Infantile Refsum disease; Infantile form of phytanic acid storage disease; PEROXISOME BIOGENESIS DISORDER (NEONATAL ADRENOLEUKODYSTROPHY/INFANTILE REFSUM DISEASE); INFANTILE PHYTANIC ACID STORAGE DISEASE; PEROXISOME BIOGENESIS DISORDER (NALD/IRD). Identifiers: Orphanet 44, MedGen C0282527, MONDO:0011101, OMIM 601539.
Zellweger spectrum disorders (ZS). Also called: Zellweger Spectrum Disorder; Zellweger Spectrum; Zellweger Spectrum Disorder (ZSD); Zellweger syndrome. Identifiers: Orphanet 912, MedGen C0043459, MONDO:0019609.
Peroxisome biogenesis disorder. Identifiers: Orphanet 79189, MedGen C1832200, MONDO:0019234. Disease mechanism: loss of function.

Allele frequency attached by ClinVar (database versions not stated): gnomAD exomes below 0.00001 and 0.00001; ExAC 0.00001; ESP Exome Variant Server 0.00008.
gnomAD v4.1: 5 of 1,611,718 alleles (0.00031%); highest among the groups gnomAD compares: South Asian, 0.0022%; no homozygotes.

Submissions (10):

PreventionGenetics, part of Exact Sciences
Classification: Pathogenic for PEX1-related condition. Last evaluated: 2026-06-10. Review status: criteria provided, single submitter. Criteria: ACMG Guidelines, 2015. Collection method: clinical testing. Allele origin: germline.
Comment: The PEX1 c.547C>T variant is predicted to result in premature protein termination (p.Arg183*). This variant was reported in individuals with Zellweger syndrome (see, for example, Yik et al. 2009. PubMed ID: 19105186). This variant is reported in 0.010% of alleles in individuals of Ashkenazi Jewish descent in gnomAD. Nonsense variants in PEX1 are expected to be pathogenic. This variant is interpreted as pathogenic.

Natera, Inc.
Classification: Pathogenic for Zellweger syndrome. Last evaluated: 2025-08-21. Review status: criteria provided, single submitter. Criteria: Natera Variant Classification Schema (03/2026). Collection method: clinical testing. Allele origin: germline.
Comment: The c.547C>T variant in PEX1 is a nonsense variant predicted to introduce a stop codon at amino acid 183. This variant is expected to result in nonsense mediated decay, truncation, or a dysfunctional protein product. This variant is rare in the general population with a frequency below the threshold expected for the associated phenotype(s). This variant has been observed in one or more individuals affected with the associated recessive disease, as either homozygous or compound heterozygous with a second variant (PMID: 31319225). Given the available evidence, this variant is classified as Pathogenic.

CeGaT Center for Human Genetics Tuebingen
Classification: Pathogenic. Last evaluated: 2025-06-01. Review status: criteria provided, single submitter. Criteria: CeGaT Center For Human Genetics Tuebingen Variant Classification Criteria Version 2. Collection method: clinical testing. Allele origin: germline. Affected: yes. Observed: 1 variant allele.
Comment: PEX1: PVS1, PM2

Labcorp Genetics (formerly Invitae), Labcorp
Classification: Pathogenic for Zellweger spectrum disorders. Last evaluated: 2024-10-30. Review status: criteria provided, single submitter. Criteria: Invitae Variant Classification Sherloc (09022015). Collection method: clinical testing. Allele origin: germline.
Comment: This sequence change creates a premature translational stop signal (p.Arg183*) in the PEX1 gene. It is expected to result in an absent or disrupted protein product. Loss-of-function variants in PEX1 are known to be pathogenic (PMID: 21031596, 26387595, 31831025). This variant is present in population databases (rs149806989, gnomAD 0.01%). This premature translational stop signal has been observed in individuals with Zellweger syndrome (PMID: 19105186). ClinVar contains an entry for this variant (Variation ID: 371782). For these reasons, this variant has been classified as Pathogenic.

Blueprint Genetics
Classification: Pathogenic for PEX1-related disorders. Last evaluated: 2024-02-12. Review status: criteria provided, single submitter. Criteria: ACMG Guidelines, 2015. Collection method: clinical testing. Allele origin: germline. Affected: yes. Observed: 2 variant alleles.

Baylor Genetics
Classification: Pathogenic for Heimler syndrome 1. Last evaluated: 2023-05-20. Review status: criteria provided, single submitter. Criteria: ACMG Guidelines, 2015. Collection method: clinical testing. Allele origin: unknown.

Fulgent Genetics
Classification: Pathogenic for Peroxisome biogenesis disorder 1A (Zellweger); Heimler syndrome 1; Peroxisome biogenesis disorder 1B. Last evaluated: 2021-07-28. Review status: criteria provided, single submitter. Criteria: ACMG Guidelines, 2015. Collection method: clinical testing. Allele origin: unknown.

Women's Health and Genetics/Laboratory Corporation of America, LabCorp
Classification: Likely pathogenic for Peroxisome biogenesis disorders, Zellweger syndrome spectrum. Last evaluated: 2018-05-10. Review status: criteria provided, single submitter. Criteria: LabCorp Variant Classification Summary - May 2015. Collection method: clinical testing. Allele origin: germline.
Comment: Variant summary: PEX1 c.547C>T (p.Arg183X) results in a premature termination codon, predicted to cause a truncation of the encoded protein or absence of the protein due to nonsense mediated decay, which are commonly known mechanisms for disease. Truncations downstream of this position have been classified as pathogenic by our laboratory (eg. c.2097dupT, p.Ile700fsX42; c.2368C>T, p.Arg790X; c.2916delA, p.Gly973fsX16). The variant allele was found at a frequency of 8.2e-06 in 244450 control chromosomes (gnomAD). This frequency is not significantly higher than expected for a pathogenic variant in PEX1 causing Zellweger Syndrome (8.2e-06 vs 3.90e-03), allowing no conclusion about variant significance. The variant, c.547C>T, has been reported in the literature in individuals affected with Zellweger Syndrome (Ebberink_2010, Yik_2009). To our knowledge, no experimental evidence demonstrating an impact on protein function has been reported. One clinical diagnostic laboratory has submitted clinical-significance assessments for this variant to ClinVar after 2014 without evidence for independent evaluation and classified the variant as pathogenic. Based on the evidence outlined above, the variant was classified as likely pathogenic.

Counsyl
Classification: Pathogenic for Peroxisome biogenesis disorder 1A (Zellweger). Last evaluated: 2016-10-11. Review status: no assertion criteria provided. Collection method: clinical testing. Allele origin: unknown. Not counted in ClinVar's aggregate classification.

Counsyl
Classification: Pathogenic for Peroxisome biogenesis disorder 1B. Last evaluated: 2016-10-11. Review status: no assertion criteria provided. Collection method: clinical testing. Allele origin: unknown. Not counted in ClinVar's aggregate classification.

Literature cited by the submitters: PubMed 31319225 (cited by Natera, Inc.); PubMed 21031596 (cited by Labcorp Genetics (formerly Invitae), Labcorp); PubMed 26387595 (cited by Labcorp Genetics (formerly Invitae), Labcorp); PubMed 31831025 (cited by Labcorp Genetics (formerly Invitae), Labcorp); PubMed 19105186 (cited by 3 submitters); PubMed 19877282 (cited by Women's Health and Genetics/Laboratory Corporation of America, LabCorp).